The following is an entry in ClinVar:

ClinVar aggregate classification (germline): Uncertain significance (1 of 4 stars; one submission).

Conditions:
DNA ligase IV deficiency. Identifiers: Orphanet 99812, MedGen C1847827, MONDO:0011686, OMIM 606593.

Allele frequency attached by ClinVar (database versions not stated): 1000 Genomes Project 30x 0.00016.
gnomAD v4.1: 1 of 1,612,794 alleles (0.000062%); highest among the groups gnomAD compares: African/African-American, 0.0013%; no homozygotes.

Submission:

Labcorp Genetics (formerly Invitae), Labcorp
Classification: Uncertain significance for DNA ligase IV deficiency. Last evaluated: 2024-10-29. Review status: criteria provided, single submitter. Criteria: Invitae Variant Classification Sherloc (09022015). Collection method: clinical testing. Allele origin: germline.
Comment: This sequence change replaces isoleucine, which is neutral and non-polar, with leucine, which is neutral and non-polar, at codon 238 of the LIG4 protein (p.Ile238Leu). The frequency data for this variant in the population databases is considered unreliable, as metrics indicate poor data quality at this position in the gnomAD database. This variant has not been reported in the literature in individuals affected with LIG4-related conditions. ClinVar contains an entry for this variant (Variation ID: 2095512). Invitae Evidence Modeling of protein sequence and biophysical properties (such as structural, functional, and spatial information, amino acid conservation, physicochemical variation, residue mobility, and thermodynamic stability) indicates that this missense variant is not expected to disrupt LIG4 protein function with a negative predictive value of 95%. In summary, the available evidence is currently insufficient to determine the role of this variant in disease. Therefore, it has been classified as a Variant of Uncertain Significance.

NM_206937.2(LIG4):c.712A>C (p.Ile238Leu)

Gene: LIG4 (DNA ligase 4; minus strand). Cytogenetic location: 13q33.3.
Variant type: single nucleotide variant.
Coding change: c.712A>C on transcript NM_206937.2 (MANE Select); coding-DNA position 712, A replaced by C.
Protein change: p.Ile238Leu; replaces isoleucine 238 with leucine.
Molecular consequence: missense variant.
Genome position (GRCh38, 1-based): chr13:108,210,557, T>G on the plus strand (A>C on the coding strand, the complement: LIG4 is on the minus strand). VCF-style: chr13-108210557-T-G. GRCh37 (hg19) VCF-style: chr13-108862905-T-G.
Other names: c.712A>C, p.Ile238Leu (NM_001098268.2, NM_001352598.2, NM_001352599.2 and 6 more transcripts); c.511A>C, p.Ile171Leu (NM_001330595.2); c.748A>C, p.Ile250Leu (NM_001352604.2); short protein forms I171L, I250L, I238L.
Identifiers: ClinVar variation 2095512 (VCV002095512.3), dbSNP rs149012859, ClinGen allele CA7043807.
Genomic context (GRCh38, chr13:108,210,557, plus strand): 5'-GCTCAATATCTGCAATAGCAGCTAGCATTGGTTTAAATGCAGAAAATAAAGTGATAGAAA[T>G]ATCACTGAGTCCTACAGAAGGATCATGCAGTTGCCTACAGACTTTTTCCAGATCTGTAGT-3'
Protein context (NP_996820.1, residues 228-248): LHDPSVGLSD[Ile238Leu]SITLFSAFKP